The following is an entry in ClinVar:

NM_005505.5(SCARB1):c.991G>A (p.Val331Ile)

Gene: SCARB1 (scavenger receptor class B member 1; minus strand). Cytogenetic location: 12q24.31.
Variant type: single nucleotide variant.
Coding change: c.991G>A on transcript NM_005505.5 (MANE Select); coding-DNA position 991, G replaced by A.
Protein change: p.Val331Ile; replaces valine 331 with isoleucine.
Molecular consequence: missense variant. On other transcripts: non-coding transcript variant (9), intron variant (1).
Genome position (GRCh38, 1-based): chr12:124,807,779, C>T on the plus strand (G>A on the coding strand, the complement: SCARB1 is on the minus strand). VCF-style: chr12-124807779-C-T. GRCh37 (hg19) VCF-style: chr12-125292325-C-T.
Other names: c.991G>A, p.Val331Ile (NM_001082959.2, NM_001367981.1, NM_001367983.1 and 4 more transcripts); c.868G>A, p.Val290Ile (NM_001367982.1); c.967G>A, p.Val323Ile (NM_001367985.1); c.726+4091G>A (NM_001367988.1); c.991G>A (NM_005505.4); short protein forms V323I, V331I, V290I.
Identifiers: ClinVar variation 2071472 (VCV002071472.6), dbSNP rs139784395, ClinGen allele CA6870370.

ClinVar aggregate classification (germline): Likely benign. Review status: criteria provided, single submitter (1 of 4 stars). 2 submissions from 2 submitters: Likely benign (1). 1 of the submissions does not count toward it. Last evaluated 2025-10-02.

Conditions:
SCARB1-related disorder. Also called: SCARB1-related condition.

Allele frequency attached by ClinVar (database versions not stated): gnomAD exomes 0.00010; ExAC 0.00030; gnomAD 0.00107; ESP Exome Variant Server 0.00115; 1000 Genomes Project 0.00120; TOPMed 0.00134; 1000 Genomes Project 30x 0.00156.
gnomAD v4.1: 322 of 1,614,160 alleles (0.02%); highest among the groups gnomAD compares: African/African-American, 0.36%; 1 homozygote.

Submissions (2):

Labcorp Genetics (formerly Invitae), Labcorp
Classification: Likely benign. Last evaluated: 2025-10-02. Review status: criteria provided, single submitter. Criteria: Invitae Variant Classification Sherloc (09022015). Collection method: clinical testing. Allele origin: germline.

PreventionGenetics, part of Exact Sciences
Classification: Likely benign for SCARB1-related condition. Last evaluated: 2022-10-31. Review status: no assertion criteria provided. Collection method: clinical testing. Allele origin: germline. Not counted in ClinVar's aggregate classification.
Comment: This variant is classified as likely benign based on ACMG/AMP sequence variant interpretation guidelines (Richards et al. 2015 PMID: 25741868, with internal and published modifications).